The following is an entry in ClinVar:

NM_007294.4(BRCA1):c.878C>G (p.Thr293Ser)

Gene: BRCA1 (BRCA1 DNA repair associated; minus strand). Cytogenetic location: 17q21.31.
Variant type: single nucleotide variant.
Coding change: c.878C>G on transcript NM_007294.4 (MANE Select); coding-DNA position 878, C replaced by G.
Protein change: p.Thr293Ser; replaces threonine 293 with serine.
Molecular consequence: missense variant. On other transcripts: 5 prime UTR variant (2), intron variant (137).
Genome position (GRCh38, 1-based): chr17:43,094,653, G>C on the plus strand (C>G on the coding strand, the complement: BRCA1 is on the minus strand). VCF-style: chr17-43094653-G-C. GRCh37 (hg19) VCF-style: chr17-41246670-G-C.
Other names: c.752C>G, p.Thr251Ser (NM_001407670.1, NM_001407673.1, NM_001407671.1 and 11 more transcripts); c.755C>G, p.Thr252Ser (NM_001407677.1, NM_001407676.1, NM_001407678.1 and 19 more transcripts); c.665C>G, p.Thr222Ser (NM_001407571.1, NM_001407853.1, NM_001407894.1 and 9 more transcripts); c.878C>G, p.Thr293Ser (NM_001407581.1, NM_001407582.1, NM_001407583.1 and 30 more transcripts); c.875C>G, p.Thr292Ser (NM_001407587.1, NM_001407590.1, NM_001407591.1 and 22 more transcripts); c.869C>G, p.Thr290Ser (NM_001407646.1, NM_001407647.1); c.800C>G, p.Thr267Ser (NM_001407653.1, NM_001407654.1, NM_001407655.1 and 4 more transcripts); c.797C>G, p.Thr266Ser (NM_001407659.1, NM_001407660.1, NM_001407661.1 and 1 more transcripts); and 40 more; short protein forms T293S, T246S, T205S, T252S, T165S, T166S, T181S, T223S.
Identifiers: ClinVar variation 570469 (VCV000570469.25), dbSNP rs747172803, ClinGen allele CA056854.
Genomic context (GRCh38, chr17:43,094,653, plus strand): 5'-AAGCCAGGCTGTTTGCTTTTATTACAGAATTCAGCCTTTTCTACATTCATTCTGTCTTTA[G>C]TGAGTAATAAACTGCTGTTCTCATGCTGTAATGAGCTGGCATGAGTATTTGTGCCACATG-3'
Protein context (NP_009225.1, residues 283-303): LQHENSSLLL[Thr293Ser]KDRMNVEKAE

ClinVar aggregate classification (germline): Conflicting classifications of pathogenicity. Review status: criteria provided, conflicting classifications (1 of 4 stars). 7 submissions from 7 submitters: Uncertain significance (6); Likely benign (1). Last evaluated 2025-11-13.

Conditions:
Hereditary cancer-predisposing syndrome. Also called: Hereditary neoplastic syndrome; Tumor predisposition; Neoplastic Syndromes, Hereditary; Hereditary Cancer Syndrome. Identifiers: Orphanet 140162, MedGen C0027672, MeSH D009386, MONDO:0015356.
Hereditary breast ovarian cancer syndrome. Also called: Hereditary breast and ovarian cancer syndrome; Breast and ovarian cancer; Hereditary breast and ovarian cancer; Hereditary breast and/or ovarian cancer syndrome; Hereditary breast and ovarian cancer syndrome (HBOC); BRCA1- and BRCA2-Associated Hereditary Breast and Ovarian Cancer. Identifiers: Orphanet 145, MedGen C0677776, MeSH D061325, MONDO:0003582. Disease mechanism: loss of function.
BRCA1-related cancer predisposition. Identifiers: MedGen CN377757, MONDO:0700268.

Allele frequency attached by ClinVar (database versions not stated): gnomAD 0.00001 and 0.00006; gnomAD exomes 0.00002; ExAC 0.00003.
gnomAD v4.1: 20 of 1,613,932 alleles (0.0012%); highest among the groups gnomAD compares: South Asian, 0.021%; 1 homozygote.

Submissions (7):

Labcorp Genetics (formerly Invitae), Labcorp
Classification: Uncertain significance for Hereditary breast ovarian cancer syndrome. Last evaluated: 2025-11-13. Review status: criteria provided, single submitter. Criteria: Invitae Variant Classification Sherloc (09022015). Collection method: clinical testing. Allele origin: germline.
Comment: This sequence change replaces threonine, which is neutral and polar, with serine, which is neutral and polar, at codon 293 of the BRCA1 protein (p.Thr293Ser). This variant is present in population databases (rs747172803, gnomAD 0.02%). This missense change has been observed in individual(s) with ovarian cancer (PMID: 26689913). ClinVar contains an entry for this variant (Variation ID: 570469). Invitae Evidence Modeling of protein sequence and biophysical properties (such as structural, functional, and spatial information, amino acid conservation, physicochemical variation, residue mobility, and thermodynamic stability) indicates that this missense variant is not expected to disrupt BRCA1 protein function with a negative predictive value of 80%. Experimental studies have shown that this missense change does not substantially affect BRCA1 function (PMID: 26689913). In summary, the available evidence is currently insufficient to determine the role of this variant in disease. Therefore, it has been classified as a Variant of Uncertain Significance.

Women's Health and Genetics/Laboratory Corporation of America, LabCorp
Classification: Uncertain significance. Last evaluated: 2025-11-03. Review status: criteria provided, single submitter. Criteria: LabCorp Variant Classification Summary - May 2015. Collection method: clinical testing. Allele origin: germline.
Comment: Variant summary: BRCA1 c.878C>G (p.Thr293Ser) results in a conservative amino acid change in the encoded protein sequence. Algorithms developed to predict the effect of missense changes on protein structure and function are either unavailable or do not agree on the potential impact of this missense change. The variant allele was found at a frequency of 1.6e-05 in 251216 control chromosomes. The available data on variant occurrences in the general population are insufficient to allow any conclusion about variant significance. c.878C>G has been observed in individual(s) affected with Hereditary Breast And Ovarian Cancer Syndrome (Lu_2015, Muhammad_2023). These report(s) do not provide unequivocal conclusions about association of the variant with Hereditary Breast And Ovarian Cancer Syndrome. At least one publication reports experimental evidence evaluating an impact on protein function. These results showed no damaging effect of this variant (Lu_2015). The following publications have been ascertained in the context of this evaluation (PMID: 26689913, 37951914). ClinVar contains an entry for this variant (Variation ID: 570469). Based on the evidence outlined above, the variant was classified as uncertain significance.

Ambry Genetics
Classification: Uncertain significance for Hereditary cancer-predisposing syndrome. Last evaluated: 2024-11-27. Review status: criteria provided, single submitter. Criteria: Ambry Variant Classification Scheme 2023. Collection method: clinical testing. Allele origin: germline.
Comment: The p.T293S variant (also known as c.878C>G), located in coding exon 9 of the BRCA1 gene, results from a C to G substitution at nucleotide position 878. The threonine at codon 293 is replaced by serine, an amino acid with similar properties. This alteration has been reported in an ovarian cancer patient from a cohort of 4034 cancer cases from The Cancer Genome Atlas and was functional in a homology directed DNA repair (HDR) assay (Lu C et al. Nat Commun, 2015 Dec;6:10086). This amino acid position is well conserved in available vertebrate species. In addition, the in silico prediction for this alteration is inconclusive. Since supporting evidence is limited at this time, the clinical significance of this alteration remains unclear.

All of Us Research Program, National Institutes of Health
Classification: Uncertain significance for BRCA1-related cancer predisposition. Last evaluated: 2024-08-23. Review status: criteria provided, single submitter. Criteria: ACMG Guidelines, 2015. Collection method: clinical testing. Allele origin: germline. Inheritance: Autosomal dominant inheritance. Observed: 1 variant allele, 1 heterozygote.
Comment: This missense variant replaces threonine with serine at codon 293 of the BRCA1 protein. Computational prediction is inconclusive regarding the impact of this variant on protein structure and function (internally defined REVEL score threshold 0.5 < inconclusive < 0.7, PMID: 27666373). Splice site prediction tools suggest that this variant may not impact RNA splicing. A functional study has shown that this variant has neutral impact on homology-directed repair activity in a cell-based assay (PMID: 26689913). This variant has been reported in an individual affected with ovarian cancer (PMID: 26689913). This variant has also been identified in 6/282616 chromosomes in the general population by the Genome Aggregation Database (gnomAD). The available evidence is insufficient to determine the role of this variant in disease conclusively. Therefore, this variant is classified as a Variant of Uncertain Significance.

This study involves interpretation of variants in research participants for the purpose of population health screening. Participant phenotype was not available at the time of variant classification. Additional details can be found in publication PMID: 35346344, PMCID: PMC8962531

Color Diagnostics, LLC DBA Color Health
Classification: Uncertain significance for Hereditary cancer-predisposing syndrome. Last evaluated: 2024-08-08. Review status: criteria provided, single submitter. Criteria: ACMG Guidelines, 2015. Collection method: clinical testing. Allele origin: germline.
Comment: This missense variant replaces threonine with serine at codon 293 of the BRCA1 protein. Computational prediction is inconclusive regarding the impact of this variant on protein structure and function. A functional study has shown that this variant has neutral impact on homology-directed repair activity in a cell-based assay (PMID: 26689913). This variant has been reported in an individual affected with ovarian cancer (PMID: 26689913). This variant has been identified in 6/282616 chromosomes in the general population by the Genome Aggregation Database (gnomAD). The available evidence is insufficient to determine the role of this variant in disease conclusively. Therefore, this variant is classified as a Variant of Uncertain Significance.

GeneDx
Classification: Uncertain significance. Last evaluated: 2023-11-22. Review status: criteria provided, single submitter. Criteria: GeneDx Variant Classification Process June 2021. Collection method: clinical testing. Allele origin: germline. Affected: yes.
Comment: Published functional studies demonstrate no damaging effect: homology-directed repair activity similar to wild-type (PMID: 26689913); In silico analysis supports that this missense variant has a deleterious effect on protein structure/function; Also known as 997C>G; This variant is associated with the following publications: (PMID: 29884841, 32377563, 20215511, 9582019, 9926942, 9788437, 15343273, 26689913, 37951914)

University of Washington Department of Laboratory Medicine, University of Washington
Classification: Likely benign for Hereditary cancer-predisposing syndrome. Last evaluated: 2023-03-23. Review status: criteria provided, single submitter. Criteria: Dines et al. (Genet Med. 2020). Collection method: curation. Allele origin: germline.
Comment: Missense variant in a coldspot region where missense variants are very unlikely to be pathogenic (PMID:31911673).

BRCA1 coldspot (exon 11 using historical exon numbering). Reclassification based on statistical prior probability

Literature cited by the submitters: PubMed 26689913 (cited by 5 submitters); PubMed 37951914 (cited by Women's Health and Genetics/Laboratory Corporation of America, LabCorp).